The following is an entry in ClinVar:

ClinVar aggregate classification (germline): Likely pathogenic (1 of 4 stars; one submission).

Conditions:
Polycystic kidney disease, adult type (PKD1). Also called: POLYCYSTIC KIDNEY DISEASE 1 WITH OR WITHOUT POLYCYSTIC LIVER DISEASE; Polycystic Kidney Disease 1, Autosomal Dominant; Polycystic kidney disease 1; Polycystic kidney disease 1, severe; Polycystic Kidney, Autosomal Dominant; POLYCYSTIC KIDNEY DISEASE, ADULT, TYPE I. Identifiers: MedGen C3149841, MONDO:0008263, OMIM 173900.

Submission:

Center for Human Genetics and Genomic Medicine, Uniklinik Rwth Aachen
Classification: Likely pathogenic for Polycystic kidney disease, adult type. Last evaluated: 2022-03-30. Review status: criteria provided, single submitter. Criteria: ACMG Guidelines, 2015. Collection method: clinical testing. Allele origin: unknown. Inheritance: Autosomal dominant inheritance. Affected: yes. Observed: 1 heterozygote.
Comment: The detected change has not yet been described in the literature, the PKD locus-specific database or the ClinVar database (as of March 22, 2022). The variant is not listed in control collectives (gnomAD). In the case of variants that affect the canonical splice site of a gene that matches the phenotype, there is a high probability of pathogenetic relevance. The variant is currently to be regarded as a "likely pathogenic variant" (ACMG criteria).

NM_001009944.3(PKD1):c.1723-1G>C

Gene: PKD1 (polycystin 1, transient receptor potential channel interacting; minus strand). Cytogenetic location: 16p13.3.
Variant type: single nucleotide variant.
Coding change: c.1723-1G>C on transcript NM_001009944.3 (MANE Select); the canonical splice acceptor site of the intron before coding-DNA position 1723, G replaced by C.
Molecular consequence: splice acceptor variant.
Genome position (GRCh38, 1-based): chr16:2,116,119, C>G on the plus strand (G>C on the coding strand, the complement: PKD1 is on the minus strand). VCF-style: chr16-2116119-C-G. GRCh37 (hg19) VCF-style: chr16-2166120-C-G.
Other names: c.1723-1G>C (NM_000296.4).
Identifiers: ClinVar variation 1526404 (VCV001526404.2), dbSNP rs1596582948, ClinGen allele CA394391331.